The following is an entry in ClinVar:

NM_000334.4(SCN4A):c.1333G>A (p.Val445Met)

Gene: SCN4A (sodium voltage-gated channel alpha subunit 4; minus strand). Cytogenetic location: 17q23.3.
Variant type: single nucleotide variant.
Coding change: c.1333G>A on transcript NM_000334.4 (MANE Select); coding-DNA position 1333, G replaced by A.
Protein change: p.Val445Met; replaces valine 445 with methionine.
Molecular consequence: missense variant.
Genome position (GRCh38, 1-based): chr17:63,964,587, C>T on the plus strand (G>A on the coding strand, the complement: SCN4A is on the minus strand). VCF-style: chr17-63964587-C-T. GRCh37 (hg19) VCF-style: chr17-62041947-C-T.
Other names: short protein forms V445M.
Identifiers: ClinVar variation 5910 (VCV000005910.53), dbSNP rs121908552, ClinGen allele CA117847.

ClinVar aggregate classification (germline): Pathogenic. Review status: criteria provided, multiple submitters, no conflicts (2 of 4 stars). 12 submissions from 12 submitters: Pathogenic (10). 2 of the submissions do not count toward it. Last evaluated 2026-06-17.

Conditions:
Skeletal muscle channelopathy.
SCN4A-related non-dystrophic myotonia.
Congenital myasthenic syndrome 16. Identifiers: Orphanet 590, MedGen C3280112, MONDO:0013620, OMIM 614198.
Hyperkalemic periodic paralysis. Also called: Familial hyperkalemic periodic paralysis; Gamstorp disease. Identifiers: Orphanet 682, MedGen C0238357, MONDO:0008224, OMIM 170500, HP:0007215.
Hypokalemic periodic paralysis, type 2 (HOKPP2). Identifiers: Orphanet 681, MedGen C2750061, MONDO:0013234, OMIM 613345.
Potassium-aggravated myotonia. Also called: Myotonia congenita, atypical, acetazolamide-responsive; MYOTONIA CONGENITA, ACETAZOLAMIDE-RESPONSIVE; MYOTONIA CONGENITA, ATYPICAL; SODIUM CHANNEL MUSCLE DISEASE. Identifiers: Orphanet 612, Orphanet 99734, Orphanet 99735, Orphanet 99736, MedGen C2931826, MONDO:0018959, OMIM 608390.
Paramyotonia congenita of Von Eulenburg. Also called: Eulenburg disease; Myotonia congenita intermittens; Von Eulenburg paramyotonia congenita; Paramyotonia Congenita; PARALYSIS PERIODICA PARAMYOTONICA. Identifiers: Orphanet 684, MedGen C0221055, MONDO:0008195, OMIM 168300. Disease mechanism: loss of function.
Hypokalemic periodic paralysis, type 1. Also called: Hypokalemic Periodic Paralysis Type 1 (AD); HypoPP. Identifiers: Orphanet 681, MedGen C3714580, MONDO:0042979, OMIM 170400.

Allele frequency attached by ClinVar (database versions not stated): gnomAD exomes below 0.00001.
gnomAD v4.1: 2 of 1,613,752 alleles (0.00012%); highest among the groups gnomAD compares: Admixed American, 0.0017%; no homozygotes.

Submissions (12):

Genetics Laboratory, Great Ormond Street Hospital NHS Foundation Trust, North Thames Genomic Laboratory Hub
Classification: Pathogenic for Skeletal muscle channelopathy. Last evaluated: 2026-06-17. Review status: criteria provided, single submitter. Criteria: ACGS Best Practice Guidelines for Variant Classification in Rare Disease 2024 v1.2. Collection method: clinical testing. Allele origin: germline. Affected: yes.
Comment: PS4_moderate, PP3_supporting, PM5_moderate, PS3_strong, PP1_strong

CeGaT Center for Human Genetics Tuebingen
Classification: Pathogenic. Last evaluated: 2026-02-01. Review status: criteria provided, single submitter. Criteria: CeGaT Center For Human Genetics Tuebingen Variant Classification Criteria Version 2. Collection method: clinical testing. Allele origin: germline. Affected: yes. Observed: 4 variant alleles.
Comment: SCN4A: PS4, PM2, PM5, PP1:Moderate, PP3, PS3:Supporting

Labcorp Genetics (formerly Invitae), Labcorp
Classification: Pathogenic for Hyperkalemic periodic paralysis. Last evaluated: 2025-12-17. Review status: criteria provided, single submitter. Criteria: Invitae Variant Classification Sherloc (09022015). Collection method: clinical testing. Allele origin: germline.
Comment: This sequence change replaces valine, which is neutral and non-polar, with methionine, which is neutral and non-polar, at codon 445 of the SCN4A protein (p.Val445Met). This variant is present in population databases (rs121908552, gnomAD 0.003%). This missense change has been observed in individuals with autosomal dominant myotonia congenita and is associated with marked phenotypic variability (PMID: 9392583, 17334961, 19840739, 22653516, 25724373, 25839108). It has also been observed to segregate with disease in related individuals. ClinVar contains an entry for this variant (Variation ID: 5910). Invitae Evidence Modeling of protein sequence and biophysical properties (such as structural, functional, and spatial information, amino acid conservation, physicochemical variation, residue mobility, and thermodynamic stability) indicates that this missense variant is expected to disrupt SCN4A protein function with a positive predictive value of 80%. Experimental studies have shown that this missense change affects SCN4A function (PMID: 10218481, 11744749). For these reasons, this variant has been classified as Pathogenic.

Mayo Clinic Laboratories, Mayo Clinic
Classification: Pathogenic. Last evaluated: 2025-02-28. Review status: criteria provided, single submitter. Criteria: ACMG Guidelines, 2015. Collection method: clinical testing. Allele origin: germline. Observed: 1 variant allele.
Comment: PP1_strong, PP3_moderate, PM1, PM2_supporting, PM5, PS3_supporting, PS4_moderate

Clinical Genetics Laboratory, Skane University Hospital Lund
Classification: Pathogenic. Last evaluated: 2023-09-13. Review status: criteria provided, single submitter. Criteria: ACMG Guidelines, 2015. Collection method: clinical testing. Allele origin: germline. Affected: yes.

Athena Diagnostics
Classification: Pathogenic. Last evaluated: 2022-09-06. Review status: criteria provided, single submitter. Criteria: Athena Diagnostics Criteria. Collection method: clinical testing. Allele origin: unknown.
Comment: The frequency of this variant in the general population is consistent with pathogenicity. This variant appears to segregate with disease in at least one family, however, the available information does not rule out segregation due to chance. Assessment of experimental evidence suggests this variant results in abnormal protein function. Variant causes defects in the inactivation properties of the mutant sodium channel (PMID 10218481).

GeneDx
Classification: Pathogenic. Last evaluated: 2021-09-07. Review status: criteria provided, single submitter. Criteria: GeneDx Variant Classification Process June 2021. Collection method: clinical testing. Allele origin: germline. Affected: yes.
Comment: Published functional studies demonstrate a damaging effect as this variant results in a defect in sodium channel gating (Wang et al., 1999); Not observed at a significant frequency in large population cohorts (gnomAD); In silico analysis, which includes protein predictors and evolutionary conservation, supports that this variant does not alter protein structure/function; This variant is associated with the following publications: (PMID: 19840739, 25839108, 10218481, 17334961, 25724373, 9392583, 27415035, 28325641, 18337100, 31567646, 9929487, 32849172, 32670189, 33263785, 32660787, 22653516)

Greenwood Genetic Center Diagnostic Laboratories, Greenwood Genetic Center
Classification: Pathogenic. Last evaluated: 2021-01-26. Review status: criteria provided, single submitter. Criteria: ACMG Guidelines, 2015. Collection method: clinical testing. Allele origin: germline. Affected: yes.
Comment: PP1_Strong, PS3, PP3, PM2

Revvity Omics, Revvity
Classification: Pathogenic. Last evaluated: 2020-06-09. Review status: criteria provided, single submitter. Criteria: ACMG Guidelines, 2015. Collection method: clinical testing. Allele origin: germline.

Fulgent Genetics
Classification: Pathogenic for Paramyotonia congenita of Von Eulenburg; Hypokalemic periodic paralysis, type 1; Hyperkalemic periodic paralysis; Potassium-aggravated myotonia; Hypokalemic periodic paralysis, type 2; Congenital myasthenic syndrome 16. Last evaluated: 2018-10-31. Review status: criteria provided, single submitter. Criteria: ACMG Guidelines, 2015. Collection method: clinical testing. Allele origin: unknown.

Department of Neurology and Geriatrics, Kagoshima University Graduate School of Medical and Dental Sciences
Classification: Pathogenic for SCN4A-related non-dystrophic myotonia. Last evaluated: 2022-04-06. Review status: no assertion criteria provided. Collection method: research. Allele origin: germline. Affected: yes. Not counted in ClinVar's aggregate classification.

OMIM
Classification: Pathogenic for MYOTONIA CONGENITA, ATYPICAL. Last evaluated: 2009-05-01. Review status: no assertion criteria provided. Collection method: literature only. Allele origin: germline. Not counted in ClinVar's aggregate classification.

Literature cited by the submitters: PubMed 9392583 (cited by 4 submitters); PubMed 17334961 (cited by Labcorp Genetics (formerly Invitae), Labcorp and Athena Diagnostics); PubMed 19840739 (cited by Labcorp Genetics (formerly Invitae), Labcorp and Athena Diagnostics); PubMed 22653516 (cited by 3 submitters); PubMed 25724373 (cited by 3 submitters); PubMed 25839108 (cited by 3 submitters); PubMed 10218481 (cited by 3 submitters); PubMed 11744749 (cited by Labcorp Genetics (formerly Invitae), Labcorp and Athena Diagnostics); PubMed 27415035 (cited by Mayo Clinic Laboratories, Mayo Clinic and Athena Diagnostics); PubMed 9929487 (cited by Mayo Clinic Laboratories, Mayo Clinic); PubMed 18337100 (cited by Athena Diagnostics and OMIM); PubMed 32276507 (cited by Athena Diagnostics); PubMed 28325641 (cited by Athena Diagnostics); PubMed 32026975 (cited by Athena Diagnostics).